The following is an entry in ClinVar:

ClinVar aggregate classification (germline): Benign/Likely benign. Review status: criteria provided, multiple submitters, no conflicts (2 of 4 stars). 8 submissions from 8 submitters: Benign (6); Likely benign (1). 1 of the submissions does not count toward it. Last evaluated 2026-01-28.

Conditions:
Joubert syndrome 17 (JBTS17). Identifiers: Orphanet 475, MedGen C3553264, MONDO:0013824, OMIM 614615.

Allele frequency attached by ClinVar (database versions not stated): gnomAD exomes 0.00154 and 0.00312; ExAC 0.00479; gnomAD 0.01404 and 0.01487; ESP Exome Variant Server 0.01424; TOPMed 0.01594; 1000 Genomes Project 30x 0.01811; 1000 Genomes Project 0.01817.
gnomAD v4.1: 4,393 of 1,550,770 alleles (0.28%); highest among the groups gnomAD compares: African/African-American, 5.1%; 123 homozygotes.

Submissions (8):

Labcorp Genetics (formerly Invitae), Labcorp
Classification: Benign. Last evaluated: 2026-01-28. Review status: criteria provided, single submitter. Criteria: Invitae Variant Classification Sherloc (09022015). Collection method: clinical testing. Allele origin: germline.

Mayo Clinic Laboratories, Mayo Clinic
Classification: Benign. Last evaluated: 2025-02-19. Review status: criteria provided, single submitter. Criteria: ACMG Guidelines, 2015. Collection method: clinical testing. Allele origin: germline. Observed: 1 variant allele.
Comment: BS1, BS2, BP4, BP7

Blueprint Genetics
Classification: Likely benign. Last evaluated: 2024-11-26. Review status: criteria provided, single submitter. Criteria: ACMG Guidelines, 2015. Collection method: clinical testing. Allele origin: germline.

Illumina Laboratory Services, Illumina
Classification: Benign for Joubert syndrome 17. Last evaluated: 2018-01-12. Review status: criteria provided, single submitter. Criteria: ICSL Variant Classification Criteria 13 December 2019. Collection method: clinical testing. Allele origin: germline.
Comment: This variant was observed in the ICSL laboratory as part of a predisposition screen in an ostensibly healthy population. It had not been previously curated by ICSL or reported in the Human Gene Mutation Database (HGMD: prior to June 1st, 2018), and was therefore a candidate for classification through an automated scoring system. Utilizing variant allele frequency, disease prevalence and penetrance estimates, and inheritance mode, an automated score was calculated to assess if this variant is too frequent to cause the disease. Based on the score and internal cut-off values, a variant classified as benign is not then subjected to further curation. The score for this variant resulted in a classification of benign for this disease.

GeneDx
Classification: Benign. Last evaluated: 2016-08-26. Review status: criteria provided, single submitter. Criteria: GeneDx Variant Classification (06012015). Collection method: clinical testing. Allele origin: germline. Affected: yes.
Comment: This variant is considered likely benign or benign based on one or more of the following criteria: it is a conservative change, it occurs at a poorly conserved position in the protein, it is predicted to be benign by multiple in silico algorithms, and/or has population frequency not consistent with disease.

Breakthrough Genomics
Classification: Benign. Review status: criteria provided, single submitter. Criteria: ACMG Guidelines, 2015. Collection method: not provided. Allele origin: germline. Inheritance: Autosomal recessive inheritance. Affected: yes.

PreventionGenetics, part of Exact Sciences
Classification: Benign. Review status: criteria provided, single submitter. Criteria: ACMG Guidelines, 2015. Collection method: clinical testing. Allele origin: germline.

Genetic Services Laboratory, University of Chicago
Classification: Likely benign. Review status: no assertion criteria provided. Collection method: clinical testing. Allele origin: germline. Inheritance: Autosomal recessive inheritance. Not counted in ClinVar's aggregate classification.
Comment: Likely benign based on allele frequency in 1000 Genomes Project or ESP global frequency and its presence in a patient with a rare or unrelated disease phenotype. NOT Sanger confirmed

NM_001384732.1(CPLANE1):c.3240C>T (p.Ala1080=)

Gene: CPLANE1 (ciliogenesis and planar polarity effector complex subunit 1; minus strand). Cytogenetic location: 5p13.2.
Variant type: single nucleotide variant.
Coding change: c.3240C>T on transcript NM_001384732.1 (MANE Select); coding-DNA position 3240, C replaced by T.
Protein change: p.Ala1080=; no amino-acid change (alanine 1080 retained).
Molecular consequence: synonymous variant.
Genome position (GRCh38, 1-based): chr5:37,205,364, G>A on the plus strand (C>T on the coding strand, the complement: CPLANE1 is on the minus strand). VCF-style: chr5-37205364-G-A. GRCh37 (hg19) VCF-style: chr5-37205466-G-A.
Other names: p.Ala1080=; c.3240C>T, p.Ala1080= (NM_023073.4).
Identifiers: ClinVar variation 158030 (VCV000158030.23), dbSNP rs28514632, ClinGen allele CA171426.